The following is an entry in ClinVar:

NM_001271.4(CHD2):c.1570dup (p.Ser524fs)

Gene: CHD2 (chromodomain helicase DNA binding protein 2; plus strand). Cytogenetic location: 15q26.1.
Variant type: Duplication.
Coding change: c.1570dup on transcript NM_001271.4 (MANE Select); coding-DNA position 1570, one base duplicated (T; older notation c.1570dupT).
Protein change: p.Ser524fs; shifts the reading frame from serine 524.
Molecular consequence: frameshift variant.
Genome position (GRCh38, 1-based): chr15:92,953,424, T duplicated. VCF-style (leftmost placement, unchanged base first): chr15-92953423-C-CT. GRCh37 (hg19) VCF-style: chr15-93496653-C-CT.
Other names: short protein forms S524fs.
Identifiers: ClinVar variation 1705286 (VCV001705286.1), dbSNP rs2505480134, ClinGen allele CA2580090319.

ClinVar aggregate classification (germline): Likely pathogenic (1 of 4 stars; one submission).

Conditions:
Developmental and epileptic encephalopathy 94 (DEE94). Also called: CHD2-Related Neurodevelopmental Disorders; Epileptic encephalopathy, childhood-onset. Identifiers: Orphanet 1942, Orphanet 2382, MedGen C3809278, MONDO:0014150, OMIM 615369.

Submission:

3billion
Classification: Likely pathogenic for Developmental and epileptic encephalopathy 94. Last evaluated: 2022-09-01. Review status: criteria provided, single submitter. Criteria: ACMG Guidelines, 2015. Collection method: clinical testing. Allele origin: germline. Affected: yes. Observed: 1 heterozygote.
Comment: The variant is not observed in the gnomAD v2.1.1 dataset. It is predicted to result in a loss or disruption of normal protein function through nonsense-mediated decay (NMD) or protein truncation. Multiple pathogenic variants are reported downstream of the variant. Therefore, this variant is classified as Likely pathogenic according to the recommendation of ACMG/AMP guideline.